The following is an entry in ClinVar:

NM_001142800.2(EYS):c.-211CA[1]

Gene: EYS (EGF-like photoreceptor maintenance factor; minus strand). Cytogenetic location: 6q12.
Variant type: Microsatellite.
Coding change: c.-211CA[1] on transcript NM_001142800.2 (MANE Select); one copy of the 2-base unit CA starting at c.-211; the reference has two copies in a row; one copy, 2 bases deleted.
Molecular consequence: 5 prime UTR variant.
Genome position (GRCh38, 1-based): chr6:65,495,869-65,495,870, TG deleted on the plus strand (CA on the coding strand, the reverse complement: EYS is on the minus strand); deleting any 2 consecutive bases within chr6:65,495,869-65,495,873 gives the same sequence; the position shown is the placement nearest the transcript's 3' end. VCF-style (leftmost placement, unchanged base first): chr6-65495868-TTG-T. GRCh37 (hg19) VCF-style: chr6-66205761-TTG-T.
Other names: c.-209_-208del (NM_001142800.1); c.-211CA[1] (NM_001142801.2, NM_001292009.2, NM_198283.2).
Identifiers: ClinVar variation 1405274 (VCV001405274.7), dbSNP rs2127272498, ClinGen allele CA2580617289.

ClinVar aggregate classification (germline): Uncertain significance. Review status: criteria provided, single submitter (1 of 4 stars). 2 submissions from 2 submitters: Uncertain significance (1). 1 of the submissions does not count toward it. Last evaluated 2022-08-16.

Conditions:
Retinitis pigmentosa 25 (RP25). Identifiers: Orphanet 791, MedGen C1864446, MONDO:0011272, OMIM 602772.

Submissions (2):

Labcorp Genetics (formerly Invitae), Labcorp
Classification: Uncertain significance. Last evaluated: 2022-08-16. Review status: criteria provided, single submitter. Criteria: Invitae Variant Classification Sherloc (09022015). Collection method: clinical testing. Allele origin: germline.
Comment: In summary, the available evidence is currently insufficient to determine the role of this variant in disease. Therefore, it has been classified as a Variant of Uncertain Significance. Experimental studies and prediction algorithms are not available or were not evaluated, and the functional significance of this variant is currently unknown. This variant has not been reported in the literature in individuals affected with EYS-related conditions. This variant is not present in population databases (gnomAD no frequency). This variant occurs in a non-coding region of the EYS gene. It does not change the encoded amino acid sequence of the EYS protein.

Natera, Inc.
Classification: Uncertain significance for Retinitis pigmentosa type 25. Last evaluated: 2025-01-14. Review status: no assertion criteria provided. Collection method: clinical testing. Allele origin: germline. Not counted in ClinVar's aggregate classification.